The following is an entry in ClinVar:

NM_000038.6(APC):c.497_499delinsTT (p.Thr166fs)

Gene: APC (APC regulator of Wnt signaling pathway; plus strand). Cytogenetic location: 5q22.2.
Variant type: Indel.
Coding change: c.497_499delinsTT on transcript NM_000038.6 (MANE Select); coding-DNA positions 497 to 499, CTA replaced by TT.
Protein change: p.Thr166fs; shifts the reading frame from threonine 166.
Molecular consequence: frameshift variant. On other transcripts: 5 prime UTR variant (1).
Genome position (GRCh38, 1-based): chr5:112,775,703-112,775,705, CTA replaced by TT. VCF-style: chr5-112775703-CTA-TT. GRCh37 (hg19) VCF-style: chr5-112111400-CTA-TT.
Other names: c.497_499delinsTT, p.Thr166fs (NM_001127510.3, NM_001354895.2, NM_001354896.2 and 2 more transcripts); c.527_529delinsTT, p.Thr176fs (NM_001127511.3, NM_001354897.2, NM_001354902.2); c.422_424delinsTT, p.Thr141fs (NM_001354898.2, NM_001354904.2); c.320_322delinsTT, p.Thr107fs (NM_001354900.2, NM_001354901.2, NM_001354905.2); c.-539_-537delinsTT (NM_001354906.2); short protein forms T176fs, T141fs, T166fs, T107fs.
Identifiers: ClinVar variation 428149 (VCV000428149.10), dbSNP rs1114167588, ClinGen allele CA645369351.
Genomic context (GRCh38, chr5:112,775,703, plus strand): 5'-CTGATCTTGACAAAGAAGAAAAGGAAAAAGACTGGTATTACGCTCAACTTCAGAATCTCA[CTA>TT]AAAGAATAGATAGTCTTCCTTTAACTGAAAATGTAAGTAACTTGGCAGTACAACTTATTT-3'

ClinVar aggregate classification (germline): Pathogenic. Review status: criteria provided, multiple submitters, no conflicts (2 of 4 stars). 2 submissions from 2 submitters: Pathogenic (2). Last evaluated 2022-12-13.

Conditions:
Hereditary cancer-predisposing syndrome. Also called: Hereditary Cancer Syndrome; Neoplastic Syndromes, Hereditary; Hereditary neoplastic syndrome; Tumor predisposition. Identifiers: Orphanet 140162, MedGen C0027672, MeSH D009386, MONDO:0015356.
Familial adenomatous polyposis 1 (FAP1). Also called: FAMILIAL ADENOMATOUS POLYPOSIS 1, ATTENUATED; POLYPOSIS, ADENOMATOUS INTESTINAL. Identifiers: MedGen C2713442, MONDO:0021056, OMIM 175100. Disease mechanism: loss of function.

Submissions (2):

Ambry Genetics
Classification: Pathogenic for Hereditary cancer-predisposing syndrome. Last evaluated: 2022-12-13. Review status: criteria provided, single submitter. Criteria: Ambry Variant Classification Scheme 2023. Collection method: clinical testing. Allele origin: germline.
Comment: The c.497_499delCTAinsTT pathogenic mutation, located in coding exon 4 of the APC gene, results from the deletion of 3 nucleotides and insertion of two nucleotides causing a translational frameshift with a predicted alternate stop codon (p.T166Ifs*4). Premature termination codons are typically deleterious in nature. This variant is considered to be rare based on population cohorts in the Genome Aggregation Database (gnomAD). As such, this alteration is classified as a disease-causing mutation. However, alterations that result in premature termination in coding exon 2 are associated with an attenuated phenotype and may have reduced penetrance compared to classic familial adenomatous polyposis syndrome. Clinical correlation is advised.

Labcorp Genetics (formerly Invitae), Labcorp
Classification: Pathogenic for Familial adenomatous polyposis 1. Last evaluated: 2022-10-23. Review status: criteria provided, single submitter. Criteria: Invitae Variant Classification Sherloc (09022015). Collection method: clinical testing. Allele origin: germline.
Comment: Algorithms developed to predict the effect of sequence changes on RNA splicing suggest that this variant may disrupt the consensus splice site. For these reasons, this variant has been classified as Pathogenic. This variant has not been reported in the literature in individuals affected with APC-related conditions. Information on the frequency of this variant in the gnomAD database is not available, as this variant may be reported differently in the database. This sequence change creates a premature translational stop signal (p.Thr166Ilefs*4) in the APC gene. It is expected to result in an absent or disrupted protein product. Loss-of-function variants in APC are known to be pathogenic (PMID: 17963004, 20685668).

Literature cited by the submitters: PubMed 17963004 (cited by Labcorp Genetics (formerly Invitae), Labcorp); PubMed 20685668 (cited by Labcorp Genetics (formerly Invitae), Labcorp).